The following is an entry in ClinVar:

ClinVar aggregate classification (germline): Uncertain significance (1 of 4 stars; one submission).

Conditions:
Emery-Dreifuss muscular dystrophy 5, autosomal dominant (EDMD5). Also called: EMERY-DREIFUSS MUSCULAR DYSTROPHY 5. Identifiers: Orphanet 261, MedGen C2751805, MONDO:0013072, OMIM 612999.

Submission:

Labcorp Genetics (formerly Invitae), Labcorp
Classification: Uncertain significance for Emery-Dreifuss muscular dystrophy 5, autosomal dominant. Last evaluated: 2024-02-17. Review status: criteria provided, single submitter. Criteria: Invitae Variant Classification Sherloc (09022015). Collection method: clinical testing. Allele origin: germline.
Comment: This sequence change replaces aspartic acid, which is acidic and polar, with valine, which is neutral and non-polar, at codon 6804 of the SYNE2 protein (p.Asp6804Val). Information on the frequency of this variant in the gnomAD database is not available, as this variant may be reported differently in the database. This variant has not been reported in the literature in individuals affected with SYNE2-related conditions. An algorithm developed to predict the effect of missense changes on protein structure and function (PolyPhen-2) suggests that this variant is likely to be disruptive. In summary, the available evidence is currently insufficient to determine the role of this variant in disease. Therefore, it has been classified as a Variant of Uncertain Significance.

NM_182914.3(SYNE2):c.20411_20412delinsTG (p.Asp6804Val)

Gene: SYNE2 (spectrin repeat containing nuclear envelope protein 2; plus strand). Cytogenetic location: 14q23.2.
Variant type: Indel.
Coding change: c.20411_20412delinsTG on transcript NM_182914.3 (MANE Select); coding-DNA positions 20411 to 20412, AC replaced by TG.
Protein change: p.Asp6804Val; replaces aspartic acid 6804 with valine.
Molecular consequence: missense variant.
Genome position (GRCh38, 1-based): chr14:64,224,489-64,224,490, AC replaced by TG. VCF-style: chr14-64224489-AC-TG. GRCh37 (hg19) VCF-style: chr14-64691207-AC-TG.
Other names: c.20342_20343delinsTG, p.Asp6781Val (NM_015180.6); c.977_978delinsTG, p.Asp326Val (NM_182910.2); c.1355_1356delinsTG, p.Asp452Val (NM_182913.4); short protein forms D6804V, D326V, D452V, D6781V.
Identifiers: ClinVar variation 3639322 (VCV003639322.2).
Genomic context (GRCh38, chr14:64,224,489, plus strand): 5'-TCTGTGCTCAACCTTTGGGGTCTGAATTTCAGAACCCAGCCTCACCCCTGCCCAGCTTCG[AC>TG]GAGGTAGACTCGGGGGACCAGCCTCCTGCAACATCCGTGCCAGCTCCCCGAGCAAAGGTA-3'
Protein context (NP_878918.2, residues 6794-6814): QNPASPLPSF[Asp6804Val]EVDSGDQPPA